The following is an entry in ClinVar:

NM_001318852.2(MAPK8IP3):c.489C>G (p.Ala163=)

Gene: MAPK8IP3 (mitogen-activated protein kinase 8 interacting protein 3; plus strand). Cytogenetic location: 16p13.3.
Variant type: single nucleotide variant.
Coding change: c.489C>G on transcript NM_001318852.2 (MANE Select); coding-DNA position 489, C replaced by G.
Protein change: p.Ala163=; no amino-acid change (alanine 163 retained).
Molecular consequence: synonymous variant.
Genome position (GRCh38, 1-based): chr16:1,729,187, C>G. VCF-style: chr16-1729187-C-G. GRCh37 (hg19) VCF-style: chr16-1779188-C-G.
Other names: c.489C>G, p.Ala163= (NM_001040439.2, NM_015133.5, NM_033392.3).
Identifiers: ClinVar variation 1694767 (VCV001694767.31), dbSNP rs897034890, ClinGen allele CA492934684.
Genomic context (GRCh38, chr16:1,729,187, plus strand): 5'-GTGTTTTCCAGTTTCCCGGTTGGAGGAGCGGGAGTCGGAGATGAAGAAGGAGTACAATGC[C>G]CTGCACCAGCGGCACACAGAGGTGGGCGCCCAGAGGCAAGCGCGGAGACGAGGGTTGGAG-3'
Protein context (NP_001305781.1, residues 153-173): RESEMKKEYN[Ala163=]LHQRHTEMIQ

ClinVar aggregate classification (germline): Likely benign (1 of 4 stars; one submission).

Allele frequency attached by ClinVar (database versions not stated): gnomAD 0.00001.
gnomAD v4.1: 2 of 1,613,864 alleles (0.00012%); no homozygotes.

Submission:

CeGaT Center for Human Genetics Tuebingen
Classification: Likely benign. Last evaluated: 2022-04-01. Review status: criteria provided, single submitter. Criteria: CeGaT Center For Human Genetics Tuebingen Variant Classification Criteria Version 2. Collection method: clinical testing. Allele origin: germline. Affected: yes. Observed: 1 variant allele.
Comment: MAPK8IP3: BP4, BP7